The following is an entry in ClinVar:

NM_006231.4(POLE):c.1007A>T (p.Asn336Ile)

Gene: POLE (DNA polymerase epsilon, catalytic subunit; minus strand). Cytogenetic location: 12q24.33.
Variant type: single nucleotide variant.
Coding change: c.1007A>T on transcript NM_006231.4 (MANE Select); coding-DNA position 1007, A replaced by T.
Protein change: p.Asn336Ile; replaces asparagine 336 with isoleucine.
Molecular consequence: missense variant.
Genome position (GRCh38, 1-based): chr12:132,676,107, T>A on the plus strand (A>T on the coding strand, the complement: POLE is on the minus strand). VCF-style: chr12-132676107-T-A. GRCh37 (hg19) VCF-style: chr12-133252693-T-A.
Other names: short protein forms N336I.
Identifiers: ClinVar variation 3667123 (VCV003667123.2).

ClinVar aggregate classification (germline): Uncertain significance (1 of 4 stars; one submission).

Submission:

Labcorp Genetics (formerly Invitae), Labcorp
Classification: Uncertain significance. Last evaluated: 2024-12-04. Review status: criteria provided, single submitter. Criteria: Invitae Variant Classification Sherloc (09022015). Collection method: clinical testing. Allele origin: germline.
Comment: This sequence change replaces asparagine, which is neutral and polar, with isoleucine, which is neutral and non-polar, at codon 336 of the POLE protein (p.Asn336Ile). This variant is not present in population databases (gnomAD no frequency). This variant has not been reported in the literature in individuals affected with POLE-related conditions. Invitae Evidence Modeling of protein sequence and biophysical properties (such as structural, functional, and spatial information, amino acid conservation, physicochemical variation, residue mobility, and thermodynamic stability) indicates that this missense variant is expected to disrupt POLE protein function with a positive predictive value of 80%. In summary, the available evidence is currently insufficient to determine the role of this variant in disease. Therefore, it has been classified as a Variant of Uncertain Significance.